The following is an entry in ClinVar:

ClinVar aggregate classification (germline): Uncertain significance. Review status: criteria provided, multiple submitters, no conflicts (2 of 4 stars). 2 submissions from 2 submitters: Uncertain significance (2). Last evaluated 2026-07-22.

Conditions:
OTOGL-related disorder. Also called: OTOGL-related condition.

gnomAD v4.1: 13 of 1,607,526 alleles (0.00081%); highest among the groups gnomAD compares: Middle Eastern, 0.017%; no homozygotes.

Submissions (2):

PreventionGenetics, part of Exact Sciences
Classification: Uncertain significance for OTOGL-related condition. Last evaluated: 2026-07-22. Review status: criteria provided, single submitter. Criteria: ACMG Guidelines, 2015. Collection method: clinical testing. Allele origin: germline.
Comment: The OTOGL c.6771A>T variant is predicted to result in the amino acid substitution p.Arg2257Ser. To our knowledge, this variant has not been reported in the literature. This variant is reported in 0.0099% of alleles in individuals of South Asian descent in gnomAD. At this time, the clinical significance of this variant is uncertain due to the absence of conclusive functional and genetic evidence.

Blueprint Genetics
Classification: Uncertain significance. Last evaluated: 2024-01-24. Review status: criteria provided, single submitter. Criteria: ACMG Guidelines, 2015. Collection method: clinical testing. Allele origin: germline.

NM_001378609.3(OTOGL):c.6798A>T (p.Arg2266Ser)

Gene: OTOGL (otogelin like; plus strand). Cytogenetic location: 12q21.31.
Variant type: single nucleotide variant.
Coding change: c.6798A>T on transcript NM_001378609.3 (MANE Select); coding-DNA position 6798, A replaced by T.
Protein change: p.Arg2266Ser; replaces arginine 2266 with serine.
Molecular consequence: missense variant.
Genome position (GRCh38, 1-based): chr12:80,377,139, A>T. VCF-style: chr12-80377139-A-T. GRCh37 (hg19) VCF-style: chr12-80770919-A-T.
Other names: c.6771A>T (NM_173591.3); c.6663A>T, p.Arg2221Ser (NM_001368062.3); c.6798A>T, p.Arg2266Ser (NM_001378610.3, NM_173591.7); short protein forms R2221S, R2266S.
Identifiers: ClinVar variation 4917738 (VCV004917738.2).